The following is an entry in ClinVar:

NM_001267550.2(TTN):c.597A>G (p.Val199=)

Gene: TTN (titin; minus strand). Cytogenetic location: 2q31.2.
Variant type: single nucleotide variant.
Coding change: c.597A>G on transcript NM_001267550.2 (MANE Select); coding-DNA position 597, A replaced by G.
Protein change: p.Val199=; no amino-acid change (valine 199 retained).
Molecular consequence: synonymous variant.
Genome position (GRCh38, 1-based): chr2:178,799,897, T>C on the plus strand (A>G on the coding strand, the complement: TTN is on the minus strand). VCF-style: chr2-178799897-T-C. GRCh37 (hg19) VCF-style: chr2-179664624-T-C.
Other names: p.Val199=; c.597A>G, p.Val199= (NM_003319.4, NM_133379.5, NM_133432.3 and 3 more transcripts).
Identifiers: ClinVar variation 47252 (VCV000047252.27), dbSNP rs144214844, ClinGen allele CA140463.

ClinVar aggregate classification (germline): Conflicting classifications of pathogenicity. Review status: criteria provided, conflicting classifications (1 of 4 stars). 7 submissions from 7 submitters: Uncertain significance (1); Likely benign (5). 1 of the submissions does not count toward it. Last evaluated 2025-09-05.

Conditions:
TTN-related disorder. Also called: TTN-related condition; TTN-related disease; TTN-related disorders.
Cardiovascular phenotype. Identifiers: MedGen CN230736.
Dilated cardiomyopathy 1G (CMD1G). Identifiers: Orphanet 154, MedGen C1858763, MONDO:0011400, OMIM 604145.
Autosomal recessive limb-girdle muscular dystrophy type 2J (LGMDR10). Also called: Limb-girdle muscular dystrophy, type 2J; MUSCULAR DYSTROPHY, LIMB-GIRDLE, AUTOSOMAL RECESSIVE 10. Identifiers: Orphanet 140922, MedGen C1837342, MONDO:0012127, OMIM 608807.

Allele frequency attached by ClinVar (database versions not stated): ExAC 0.00001; gnomAD exomes 0.00002; gnomAD 0.00004; TOPMed 0.00007; ESP Exome Variant Server 0.00008.
gnomAD v4.1: 13 of 1,614,036 alleles (0.00081%); highest among the groups gnomAD compares: African/African-American, 0.015%; no homozygotes.

Submissions (7):

Labcorp Genetics (formerly Invitae), Labcorp
Classification: Likely benign for Dilated cardiomyopathy 1G; Autosomal recessive limb-girdle muscular dystrophy type 2J. Last evaluated: 2025-09-05. Review status: criteria provided, single submitter. Criteria: Invitae Variant Classification Sherloc (09022015). Collection method: clinical testing. Allele origin: germline.

Mayo Clinic Laboratories, Mayo Clinic
Classification: Likely benign. Last evaluated: 2025-05-02. Review status: criteria provided, single submitter. Criteria: ACMG Guidelines, 2015. Collection method: clinical testing. Allele origin: germline. Observed: 2 variant alleles.
Comment: BP4, BP7

Ambry Genetics
Classification: Likely benign for Cardiovascular phenotype. Last evaluated: 2020-12-31. Review status: criteria provided, single submitter. Criteria: Ambry Variant Classification Scheme 2023. Collection method: clinical testing. Allele origin: germline.

GeneDx
Classification: Likely benign. Last evaluated: 2020-10-06. Review status: criteria provided, single submitter. Criteria: GeneDx Variant Classification Process June 2021. Collection method: clinical testing. Allele origin: germline. Affected: yes.

Eurofins Ntd Llc (ga)
Classification: Uncertain significance. Last evaluated: 2017-01-03. Review status: criteria provided, single submitter. Criteria: EGL Classification Definitions 2015. Collection method: clinical testing. Allele origin: germline. Observed: 2 variant alleles, 2 heterozygotes.

Laboratory for Molecular Medicine, Mass General Brigham Personalized Medicine
Classification: Likely benign. Last evaluated: 2012-04-11. Review status: criteria provided, single submitter. Criteria: LMM Criteria. Collection method: clinical testing. Allele origin: germline. Observed: 1 variant allele.
Comment: Val199Val in exon 5 of TTN: This variant is not expected to have clinical signif icance because it does not alter an amino acid residue and is not located within the splice consensus sequence. It has been identified in 1/3738 African America n chromosomes from a broad population by the NHLBI Exome Sequencing Project (dbSNP rs144214844). Val199Val in exon 5 of TTN (rs144214844; allele frequency = 1/3738) **

PreventionGenetics, part of Exact Sciences
Classification: Likely benign for TTN-related condition. Last evaluated: 2019-05-20. Review status: no assertion criteria provided. Collection method: clinical testing. Allele origin: germline. Not counted in ClinVar's aggregate classification.
Comment: This variant is classified as likely benign based on ACMG/AMP sequence variant interpretation guidelines (Richards et al. 2015 PMID: 25741868, with internal and published modifications).